The following is an entry in ClinVar:

NM_014795.4(ZEB2):c.2622T>A (p.Asn874Lys)

Gene: ZEB2 (zinc finger E-box binding homeobox 2; minus strand). Cytogenetic location: 2q22.3.
Variant type: single nucleotide variant.
Coding change: c.2622T>A on transcript NM_014795.4 (MANE Select); coding-DNA position 2622, T replaced by A.
Protein change: p.Asn874Lys; replaces asparagine 874 with lysine.
Molecular consequence: missense variant.
Genome position (GRCh38, 1-based): chr2:144,398,565, A>T on the plus strand (T>A on the coding strand, the complement: ZEB2 is on the minus strand). VCF-style: chr2-144398565-A-T. GRCh37 (hg19) VCF-style: chr2-145156132-A-T.
Other names: c.2550T>A, p.Asn850Lys (NM_001171653.2); short protein forms N874K, N850K.
Identifiers: ClinVar variation 392737 (VCV000392737.10), dbSNP rs745927130, ClinGen allele CA1898227.
Genomic context (GRCh38, chr2:144,398,565, plus strand): 5'-TAAAGGTTTGGCACTAAATGGGTTCATGCTGAACACTGGGTTAGTGCTTTTGTTGTCCAG[A>T]TTATTTGAATTTGAAAATTCCTTCTTGATAAAAGTCAAGTTCAGAGGCTCATCTGAGTTT-3'
Protein context (NP_055610.1, residues 864-884): FIKKEFSNSN[Asn874Lys]LDNKSTNPVF

ClinVar aggregate classification (germline): Likely benign. Review status: criteria provided, multiple submitters, no conflicts (2 of 4 stars). 3 submissions from 3 submitters: Likely benign (3). Last evaluated 2023-08-17.

Conditions:
Mowat-Wilson syndrome (MOWS). Also called: Classic Mowat-Wilson Syndrome. Identifiers: Orphanet 2152, MedGen C1856113, MONDO:0009341, OMIM 235730.

Allele frequency attached by ClinVar (database versions not stated): gnomAD 0.00001; TOPMed 0.00001; ExAC 0.00003; gnomAD exomes 0.00004.
gnomAD v4.1: 12 of 1,614,026 alleles (0.00074%); highest among the groups gnomAD compares: East Asian, 0.027%; no homozygotes.

Submissions (3):

Labcorp Genetics (formerly Invitae), Labcorp
Classification: Likely benign for Mowat-Wilson syndrome. Last evaluated: 2023-08-17. Review status: criteria provided, single submitter. Criteria: Invitae Variant Classification Sherloc (09022015). Collection method: clinical testing. Allele origin: germline.

Genome-Nilou Lab
Classification: Likely benign for Mowat-Wilson syndrome. Last evaluated: 2021-11-07. Review status: criteria provided, single submitter. Criteria: ACMG Guidelines, 2015. Collection method: clinical testing. Allele origin: germline. Affected: no.

GeneDx
Classification: Likely benign. Last evaluated: 2017-01-13. Review status: criteria provided, single submitter. Criteria: GeneDx Variant Classification (06012015). Collection method: clinical testing. Allele origin: germline. Affected: yes.
Comment: This variant is considered likely benign or benign based on one or more of the following criteria: it is a conservative change, it occurs at a poorly conserved position in the protein, it is predicted to be benign by multiple in silico algorithms, and/or has population frequency not consistent with disease.